The following is an entry in ClinVar:

ClinVar aggregate classification (germline): Likely pathogenic (1 of 4 stars; one submission).

Conditions:
Hyperinsulinemic hypoglycemia, familial, 1 (HHF1). Also called: Persistent hyperinsulinemic hypoglycemia of infancy; HYPERINSULINISM, FAMILIAL, WITH PANCREATIC NESIDIOBLASTOSIS; HYPOGLYCEMIA, HYPERINSULINEMIC, OF INFANCY; NESIDIOBLASTOSIS OF PANCREAS; Persistent Hyperinsulinemia Hypoglycemia of Infancy. Identifiers: Orphanet 276575, Orphanet 276598, MedGen C2931832, MONDO:0009734, OMIM 256450.

Submission:

Myriad Genetics, Inc.
Classification: Likely pathogenic for Hyperinsulinemic hypoglycemia, familial, 1. Last evaluated: 2022-01-08. Review status: criteria provided, single submitter. Criteria: Myriad Women's Health Autosomal Recessive and X-Linked Classification Criteria (2021). Collection method: clinical testing. Allele origin: unknown.
Comment: NM_000352.3(ABCC8):c.1073T>A(L358*) is expected to be pathogenic in the context of familial hyperinsulinism, ABCC8-related. This variant is predicted to lead to an abnormal or absent protein product due to the creation of a premature termination codon in ABCC8, a gene where loss-of-function variants are known to be pathogenic. Please note: this variant was assessed in the context of healthy population screening.

NM_000352.6(ABCC8):c.1073T>A (p.Leu358Ter)

Gene: ABCC8 (ATP binding cassette subfamily C member 8; minus strand). Cytogenetic location: 11p15.1.
Variant type: single nucleotide variant.
Coding change: c.1073T>A on transcript NM_000352.6 (MANE Select); coding-DNA position 1073, T replaced by A.
Protein change: p.Leu358Ter; replaces leucine 358 with a stop codon.
Molecular consequence: nonsense. On other transcripts: non-coding transcript variant (1).
Genome position (GRCh38, 1-based): chr11:17,453,222, A>T on the plus strand (T>A on the coding strand, the complement: ABCC8 is on the minus strand). VCF-style: chr11-17453222-A-T. GRCh37 (hg19) VCF-style: chr11-17474769-A-T.
Other names: c.1070T>A, p.Leu357Ter (NM_001351297.2, NM_001351296.2); c.1073T>A, p.Leu358Ter (NM_001287174.3, NM_001351295.2); short protein forms L357*, L358*.
Identifiers: ClinVar variation 1726794 (VCV001726794.2), dbSNP rs2496810710, ClinGen allele CA379771097.